The following is an entry in ClinVar:

NM_001127222.2(CACNA1A):c.5521G>A (p.Ala1841Thr)

Gene: CACNA1A (calcium voltage-gated channel subunit alpha1 A; minus strand). Cytogenetic location: 19p13.13.
Variant type: single nucleotide variant.
Coding change: c.5521G>A on transcript NM_001127222.2 (MANE Select); coding-DNA position 5521, G replaced by A.
Protein change: p.Ala1841Thr; replaces alanine 1841 with threonine.
Molecular consequence: missense variant.
Genome position (GRCh38, 1-based): chr19:13,230,089, C>T on the plus strand (G>A on the coding strand, the complement: CACNA1A is on the minus strand). VCF-style: chr19-13230089-C-T. GRCh37 (hg19) VCF-style: chr19-13340903-C-T.
Other names: c.5539G>A, p.Ala1847Thr (NM_000068.4, NM_023035.3); c.5524G>A, p.Ala1842Thr (NM_001127221.2); c.5530G>A, p.Ala1844Thr (NM_001174080.2); short protein forms A1842T, A1847T, A1841T, A1844T.
Identifiers: ClinVar variation 383371 (VCV000383371.13), dbSNP rs753229469, ClinGen allele CA9239720.
Genomic context (GRCh38, chr19:13,230,089, plus strand): 5'-AGTTCCAGGGAGAGGTGAGTATTGTGGCTGGAGGATTCGGGGTGACTTCTTACCAAGCTG[C>T]GGGGTCATACTCGGCCCAGACACGCACGTACTCATCCAGGTGGTGGGGGCCCAGGATGGA-3'
Protein context (NP_001120694.1, residues 1831-1851): YVRVWAEYDP[Ala1841Thr]AWGRMPYLDM

ClinVar aggregate classification (germline): Uncertain significance. Review status: criteria provided, multiple submitters, no conflicts (2 of 4 stars). 4 submissions from 4 submitters: Uncertain significance (4). Last evaluated 2025-05-26.

Conditions:
Spinocerebellar ataxia type 6 (SCA6). Identifiers: Orphanet 98758, MedGen C0752124, MONDO:0008457, OMIM 183086.
Episodic ataxia type 2 (EA2). Also called: ATAXIA, EPISODIC, WITH NYSTAGMUS; ATAXIA, FAMILIAL PAROXYSMAL; CEREBELLAR ATAXIA, PAROXYSMAL, ACETAZOLAMIDE-RESPONSIVE; CEREBELLOPATHY, HEREDITARY PAROXYSMAL; EPISODIC ATAXIA, NYSTAGMUS-ASSOCIATED; ACETAZOLAMIDE-RESPONSIVE HEREDITARY PAROXYSMAL CEREBELLAR ATAXIA. Identifiers: Orphanet 97, MedGen C1720416, MONDO:0007163, OMIM 108500.
Developmental and epileptic encephalopathy, 42 (DEE42A). Also called: Epileptic encephalopathy, early infantile, 42; DEVELOPMENTAL AND EPILEPTIC ENCEPHALOPATHY 42A; EPILEPTIC ENCEPHALOPATHY, EARLY INFANTILE, 42A. Identifiers: MedGen C4310716, MONDO:0014917, OMIM 617106.
Migraine, familial hemiplegic, 1. Also called: MIGRAINE, FAMILIAL HEMIPLEGIC 1, WITH PROGRESSIVE CEREBELLAR ATAXIA. Identifiers: Orphanet 569, MedGen C1832884, MONDO:0020756, OMIM 141500, MONDO:0007714.

Allele frequency attached by ClinVar (database versions not stated): TOPMed below 0.00001; gnomAD exomes 0.00001 and 0.00002; ExAC 0.00002.
gnomAD v4.1: 10 of 1,612,966 alleles (0.00062%); highest among the groups gnomAD compares: Admixed American, 0.0067%; no homozygotes.

Submissions (4):

Labcorp Genetics (formerly Invitae), Labcorp
Classification: Uncertain significance for Developmental and epileptic encephalopathy, 42; Episodic ataxia type 2. Last evaluated: 2025-05-26. Review status: criteria provided, single submitter. Criteria: Invitae Variant Classification Sherloc (09022015). Collection method: clinical testing. Allele origin: germline.
Comment: This sequence change replaces alanine, which is neutral and non-polar, with threonine, which is neutral and polar, at codon 1842 of the CACNA1A protein (p.Ala1842Thr). This variant is present in population databases (rs753229469, gnomAD 0.009%). This missense change has been observed in individual(s) with CACNA1A-related conditions (internal data). ClinVar contains an entry for this variant (Variation ID: 383371). Invitae Evidence Modeling of protein sequence and biophysical properties (such as structural, functional, and spatial information, amino acid conservation, physicochemical variation, residue mobility, and thermodynamic stability) indicates that this missense variant is expected to disrupt CACNA1A protein function with a positive predictive value of 95%. In summary, the available evidence is currently insufficient to determine the role of this variant in disease. Therefore, it has been classified as a Variant of Uncertain Significance.

GeneDx
Classification: Uncertain significance. Last evaluated: 2025-05-22. Review status: criteria provided, single submitter. Criteria: GeneDx Variant Classification Process June 2021. Collection method: clinical testing. Allele origin: germline. Affected: yes.
Comment: In silico analysis supports that this missense variant has a deleterious effect on protein structure/function; Has not been previously published as pathogenic or benign to our knowledge

Fulgent Genetics
Classification: Uncertain significance for Episodic ataxia type 2; Migraine, familial hemiplegic, 1; Spinocerebellar ataxia type 6; Developmental and epileptic encephalopathy, 42. Last evaluated: 2024-01-04. Review status: criteria provided, single submitter. Criteria: ACMG Guidelines, 2015. Collection method: clinical testing. Allele origin: germline.

Revvity Omics, Revvity
Classification: Uncertain significance. Last evaluated: 2023-11-07. Review status: criteria provided, single submitter. Criteria: ACMG Guidelines, 2015. Collection method: clinical testing. Allele origin: germline.